The following is an entry in ClinVar:

NM_021098.3(CACNA1H):c.6513G>C (p.Trp2171Cys)

Gene: CACNA1H (calcium voltage-gated channel subunit alpha1 H; plus strand). Cytogenetic location: 16p13.3.
Variant type: single nucleotide variant.
Coding change: c.6513G>C on transcript NM_021098.3 (MANE Select); coding-DNA position 6513, G replaced by C.
Protein change: p.Trp2171Cys; replaces tryptophan 2171 with cysteine.
Molecular consequence: missense variant.
Genome position (GRCh38, 1-based): chr16:1,220,445, G>C. VCF-style: chr16-1220445-G-C. GRCh37 (hg19) VCF-style: chr16-1270445-G-C.
Other names: c.6495G>C, p.Trp2165Cys (NM_001005407.2); short protein forms W2165C, W2171C.
Identifiers: ClinVar variation 3762007 (VCV003762007.2).

ClinVar aggregate classification (germline): Uncertain significance (1 of 4 stars; one submission).

Conditions:
Idiopathic generalized epilepsy. Also called: EIG; Generalised epilepsy. Identifiers: MedGen C0270850, MONDO:0005579, OMIM 600669.
Hyperaldosteronism, familial, type IV (HALD4). Also called: FH IV; ALDOSTERONISM, PRIMARY, AND HYPERTENSION. Identifiers: Orphanet 642671, MedGen C4310756, MONDO:0014875, OMIM 617027.

gnomAD v4.1: 1 of 1,540,588 alleles (0.000065%); highest among the groups gnomAD compares: Non-Finnish European, 0.000087%; no homozygotes.

Submission:

Labcorp Genetics (formerly Invitae), Labcorp
Classification: Uncertain significance for Idiopathic generalized epilepsy; Hyperaldosteronism, familial, type IV. Last evaluated: 2024-10-06. Review status: criteria provided, single submitter. Criteria: Invitae Variant Classification Sherloc (09022015). Collection method: clinical testing. Allele origin: germline.
Comment: This sequence change replaces tryptophan, which is neutral and slightly polar, with cysteine, which is neutral and slightly polar, at codon 2171 of the CACNA1H protein (p.Trp2171Cys). This variant is not present in population databases (gnomAD no frequency). This variant has not been reported in the literature in individuals affected with CACNA1H-related conditions. Invitae Evidence Modeling of protein sequence and biophysical properties (such as structural, functional, and spatial information, amino acid conservation, physicochemical variation, residue mobility, and thermodynamic stability) indicates that this missense variant is not expected to disrupt CACNA1H protein function with a negative predictive value of 80%. In summary, the available evidence is currently insufficient to determine the role of this variant in disease. Therefore, it has been classified as a Variant of Uncertain Significance.